The following is an entry in ClinVar:

ClinVar aggregate classification (germline): Uncertain significance (1 of 4 stars; one submission).

Submission:

Labcorp Genetics (formerly Invitae), Labcorp
Classification: Uncertain significance. Last evaluated: 2025-06-12. Review status: criteria provided, single submitter. Criteria: Invitae Variant Classification Sherloc (09022015). Collection method: clinical testing. Allele origin: germline.
Comment: This variant, c.55_57del, results in the deletion of 1 amino acid(s) of the ARHGEF10 protein (p.Asp19del), but otherwise preserves the integrity of the reading frame. This variant is present in population databases (rs746051457, gnomAD 0.003%). This variant has not been reported in the literature in individuals affected with ARHGEF10-related conditions. ClinVar contains an entry for this variant (Variation ID: 3606694). Experimental studies and prediction algorithms are not available or were not evaluated, and the functional significance of this variant is currently unknown. In summary, the available evidence is currently insufficient to determine the role of this variant in disease. Therefore, it has been classified as a Variant of Uncertain Significance.

NM_014629.4(ARHGEF10):c.55_57del (p.Asp19del)

Gene: ARHGEF10 (Rho guanine nucleotide exchange factor 10; plus strand). Cytogenetic location: 8p23.3.
Variant type: Deletion.
Coding change: c.55_57del on transcript NM_014629.4 (MANE Select); coding-DNA positions 55 to 57, 3 bases deleted (GAT; older notation c.55_57delGAT).
Protein change: p.Asp19del; deletes aspartic acid 19.
Molecular consequence: inframe deletion. On other transcripts: inframe indel (1).
Genome position (GRCh38, 1-based): chr8:1,857,977-1,857,979, GAT deleted; deleting any 3 consecutive bases within chr8:1,857,975-1,857,979 gives the same sequence; the c. name uses the placement nearest the transcript's 3' end. VCF-style (leftmost placement, unchanged base first): chr8-1857974-TATG-T. GRCh37 (hg19) VCF-style: chr8-1806140-TATG-T.
Other names: c.55_57del, p.Asp19del (NM_001308152.2); c.55_57delGAT, p.Asp19del (NM_001308153.3); short protein forms D19del, D43del.
Identifiers: ClinVar variation 3606694 (VCV003606694.2).
Genomic context (GRCh38, chr8:1,857,974, plus strand): 5'-CTATCTATCTATCTCTCCTTGATGTGGTTTTGGTTTTTCTTTTTAGAAAATGAAATGAAA[TATG>T]ATACCAATAATAATGAAGAGGAAGAGGGAGAACAGTTCGATTTTGACAGTGGAGATGAAA-3'